The following is an entry in ClinVar:

NM_002691.4(POLD1):c.2677G>A (p.Asp893Asn)

Gene: POLD1 (DNA polymerase delta 1, catalytic subunit; plus strand). Cytogenetic location: 19q13.33.
Variant type: single nucleotide variant.
Coding change: c.2677G>A on transcript NM_002691.4 (MANE Select); coding-DNA position 2677, G replaced by A.
Protein change: p.Asp893Asn; replaces aspartic acid 893 with asparagine.
Molecular consequence: missense variant. On other transcripts: non-coding transcript variant (1).
Genome position (GRCh38, 1-based): chr19:50,415,550, G>A. VCF-style: chr19-50415550-G-A. GRCh37 (hg19) VCF-style: chr19-50918807-G-A.
Other names: c.2677G>A, p.Asp893Asn (NM_001256849.1); c.2755G>A, p.Asp919Asn (NM_001308632.1); c.2677G>A (NM_002691.2); short protein forms D893N, D919N.
Identifiers: ClinVar variation 246491 (VCV000246491.16), dbSNP rs747559034, ClinGen allele CA9596607.
Genomic context (GRCh38, chr19:50,415,550, plus strand): 5'-TGCAACCGCATCGATATCTCCCAGCTGGTCATCACCAAGGAGCTGACCCGCGCGGCCTCC[G>A]ACTATGCCGGCAAGCAGGCCCACGTGGAGCTGGCCGAGAGGTCCTGCGCGGGGCGGGTGG-3'
Protein context (NP_002682.2, residues 883-903): ITKELTRAAS[Asp893Asn]YAGKQAHVEL

ClinVar aggregate classification (germline): Conflicting classifications of pathogenicity. Review status: criteria provided, conflicting classifications (1 of 4 stars). 5 submissions from 5 submitters: Uncertain significance (4); Likely benign (1). Last evaluated 2025-03-04.

Conditions:
Hereditary cancer-predisposing syndrome. Also called: Hereditary Cancer Syndrome; Neoplastic Syndromes, Hereditary; Hereditary neoplastic syndrome; Tumor predisposition. Identifiers: Orphanet 140162, MedGen C0027672, MeSH D009386, MONDO:0015356.
POLD1-related polyposis and colorectal cancer syndrome (CRCS10). Also called: COLORECTAL CANCER, SUSCEPTIBILITY TO, ON CHROMOSOME 19q; Colorectal cancer 10; Colorectal cancer, susceptibility to, 10. Identifiers: Orphanet 220460, MedGen C2675481, MONDO:0012953, OMIM 612591.
Immunodeficiency 120. Identifiers: MedGen C5935622, MONDO:0970994, OMIM 620836.
Mandibular hypoplasia-deafness-progeroid syndrome. Also called: Mandibular hypoplasia, deafness, progeroid features, and lipodystrophy syndrome. Identifiers: Orphanet 363649, MedGen C3715192, MONDO:0014157, OMIM 615381.

Allele frequency attached by ClinVar (database versions not stated): ExAC 0.00001; gnomAD 0.00001; gnomAD exomes 0.00001 and 0.00002; TOPMed 0.00002.
gnomAD v4.1: 36 of 1,612,534 alleles (0.0022%); highest among the groups gnomAD compares: South Asian, 0.0044%; no homozygotes.

Submissions (5):

Center for Genomic Medicine, Rigshospitalet, Copenhagen University Hospital
Classification: Uncertain significance. Last evaluated: 2025-03-04. Review status: criteria provided, single submitter. Criteria: ACMG Guidelines, 2015. Collection method: clinical testing. Allele origin: germline.

Ambry Genetics
Classification: Likely benign for Hereditary cancer-predisposing syndrome. Last evaluated: 2025-02-19. Review status: criteria provided, single submitter. Criteria: Ambry Variant Classification Scheme 2023. Collection method: clinical testing. Allele origin: germline.

Labcorp Genetics (formerly Invitae), Labcorp
Classification: Uncertain significance for POLD1-related polyposis and colorectal cancer syndrome. Last evaluated: 2025-01-11. Review status: criteria provided, single submitter. Criteria: Invitae Variant Classification Sherloc (09022015). Collection method: clinical testing. Allele origin: germline.
Comment: This sequence change replaces aspartic acid, which is acidic and polar, with asparagine, which is neutral and polar, at codon 893 of the POLD1 protein (p.Asp893Asn). This variant is present in population databases (rs747559034, gnomAD 0.002%). This variant has not been reported in the literature in individuals affected with POLD1-related conditions. ClinVar contains an entry for this variant (Variation ID: 246491). Invitae Evidence Modeling of protein sequence and biophysical properties (such as structural, functional, and spatial information, amino acid conservation, physicochemical variation, residue mobility, and thermodynamic stability) indicates that this missense variant is not expected to disrupt POLD1 protein function with a negative predictive value of 80%. In summary, the available evidence is currently insufficient to determine the role of this variant in disease. Therefore, it has been classified as a Variant of Uncertain Significance.

GeneDx
Classification: Uncertain significance. Last evaluated: 2024-02-20. Review status: criteria provided, single submitter. Criteria: GeneDx Variant Classification Process June 2021. Collection method: clinical testing. Allele origin: germline. Affected: yes.
Comment: Not observed at significant frequency in large population cohorts (gnomAD); In silico analysis supports that this missense variant has a deleterious effect on protein structure/function; Has not been previously published as pathogenic or benign to our knowledge; This variant is associated with the following publications: (PMID: 37095444)

Department of Pathology and Laboratory Medicine, Sinai Health System
Classification: Uncertain significance for POLD1-related polyposis and colorectal cancer syndrome; Mandibular hypoplasia-deafness-progeroid syndrome; Immunodeficiency 120. Last evaluated: 2023-09-29. Review status: criteria provided, single submitter. Criteria: ACMG Guidelines, 2015. Collection method: clinical testing. Allele origin: germline. Affected: yes.